The following is an entry in ClinVar:

ClinVar aggregate classification (germline): Uncertain significance (1 of 4 stars; one submission).

Submission:

Labcorp Genetics (formerly Invitae), Labcorp
Classification: Uncertain significance. Last evaluated: 2025-03-20. Review status: criteria provided, single submitter. Criteria: Invitae Variant Classification Sherloc (09022015). Collection method: clinical testing. Allele origin: germline.
Comment: This variant, c.1125_1126delinsTT, is a complex sequence change that results in the deletion of 2 and insertion of 2 amino acid(s) in the ANKZF1 protein (p.Lys375_Pro376delinsAsnSer). Information on the frequency of this variant in the gnomAD database is not available, as this variant may be reported differently in the database. This variant has not been reported in the literature in individuals affected with ANKZF1-related conditions. Experimental studies and prediction algorithms are not available or were not evaluated, and the functional significance of this variant is currently unknown. In summary, the available evidence is currently insufficient to determine the role of this variant in disease. Therefore, it has been classified as a Variant of Uncertain Significance.

NM_018089.3(ANKZF1):c.1125_1126delinsTT (p.Lys375_Pro376delinsAsnSer)

Gene: ANKZF1 (ankyrin repeat and zinc finger peptidyl tRNA hydrolase 1; plus strand). Cytogenetic location: 2q35.
Variant type: Indel.
Coding change: c.1125_1126delinsTT on transcript NM_018089.3 (MANE Select); coding-DNA positions 1125 to 1126, GC replaced by TT.
Protein change: p.Lys375_Pro376delinsAsnSer.
Molecular consequence: missense variant.
Genome position (GRCh38, 1-based): chr2:219,234,209-219,234,210, GC replaced by TT. VCF-style: chr2-219234209-GC-TT. GRCh37 (hg19) VCF-style: chr2-220098931-GC-TT.
Other names: c.1125_1126delinsTT, p.Lys375_Pro376delinsAsnSer (NM_001042410.2); c.495_496delinsTT, p.Lys165_Pro166delinsAsnSer (NM_001282792.2).
Identifiers: ClinVar variation 4715540 (VCV004715540.1).
Genomic context (GRCh38, chr2:219,234,209, plus strand): 5'-AGCAGTCAGACTGCACTCACCTCAGACACACTGGAAAACAGTAAGAGAGGAGAGAAAGAA[GC>TT]CTACTGAGGAAGAAATAAGAAAGATCTGCAGGGATGAAAAGGAAGCGCTGGGGCAGAATG-3'